The following is an entry in ClinVar:

NM_001184.4(ATR):c.4037C>T (p.Ala1346Val)

Gene: ATR (ATR checkpoint kinase; minus strand). Cytogenetic location: 3q23.
Variant type: single nucleotide variant.
Coding change: c.4037C>T on transcript NM_001184.4 (MANE Select); coding-DNA position 4037, C replaced by T.
Protein change: p.Ala1346Val; replaces alanine 1346 with valine.
Molecular consequence: missense variant.
Genome position (GRCh38, 1-based): chr3:142,524,108, G>A on the plus strand (C>T on the coding strand, the complement: ATR is on the minus strand). VCF-style: chr3-142524108-G-A. GRCh37 (hg19) VCF-style: chr3-142242950-G-A.
Other names: c.3845C>T, p.Ala1282Val (NM_001354579.2); short protein forms A1346V, A1282V.
Identifiers: ClinVar variation 2496605 (VCV002496605.2), dbSNP rs751767612, ClinGen allele CA84726468.

ClinVar aggregate classification (germline): Uncertain significance (1 of 4 stars; one submission).

Conditions:
Inborn genetic diseases. Identifiers: MedGen C0950123, MeSH D030342.

gnomAD v4.1: 1 of 1,614,012 alleles (0.000062%); highest among the groups gnomAD compares: African/African-American, 0.0013%; no homozygotes.

Submission:

Ambry Genetics
Classification: Uncertain significance for Inborn genetic diseases. Last evaluated: 2023-02-25. Review status: criteria provided, single submitter. Criteria: Ambry Variant Classification Scheme 2023. Collection method: clinical testing. Allele origin: germline.
Comment: The p.A1346V variant (also known as c.4037C>T), located in coding exon 22 of the ATR gene, results from a C to T substitution at nucleotide position 4037. The alanine at codon 1346 is replaced by valine, an amino acid with similar properties. This amino acid position is conserved. In addition, this alteration is predicted to be tolerated by in silico analysis. Since supporting evidence is limited at this time, the clinical significance of this alteration remains unclear.